The following is an entry in ClinVar:

ClinVar aggregate classification (germline): Uncertain significance. Review status: criteria provided, multiple submitters, no conflicts (2 of 4 stars). 4 submissions from 4 submitters: Uncertain significance (4). Last evaluated 2024-11-04.

Conditions:
Plasminogen deficiency, type I. Also called: Type 1 plasminogen deficiency; Hypoplasminogenemia. Identifiers: Orphanet 722, MedGen C1968804, MONDO:0009009, OMIM 217090.
Angioedema, hereditary, 4. Identifiers: MedGen C5543503, MONDO:0025712, OMIM 619360.
Inborn genetic diseases. Identifiers: MedGen C0950123, MeSH D030342.

Allele frequency attached by ClinVar (database versions not stated): gnomAD exomes 0.00002; ExAC 0.00003; gnomAD 0.00005; TOPMed 0.00005; ESP Exome Variant Server 0.00008.
gnomAD v4.1: 36 of 1,612,246 alleles (0.0022%); highest among the groups gnomAD compares: Admixed American, 0.0067%; no homozygotes.

Submissions (4):

GeneDx
Classification: Uncertain significance. Last evaluated: 2024-11-04. Review status: criteria provided, single submitter. Criteria: GeneDx Variant Classification Process June 2021. Collection method: clinical testing. Allele origin: germline. Affected: yes.
Comment: In silico analysis indicates that this missense variant does not alter protein structure/function; Has not been previously published as pathogenic or benign to our knowledge

Fulgent Genetics
Classification: Uncertain significance for Plasminogen deficiency, type I; Angioedema, hereditary, 4. Last evaluated: 2024-04-10. Review status: criteria provided, single submitter. Criteria: ACMG Guidelines, 2015. Collection method: clinical testing. Allele origin: germline.

Labcorp Genetics (formerly Invitae), Labcorp
Classification: Uncertain significance. Last evaluated: 2024-01-10. Review status: criteria provided, single submitter. Criteria: Invitae Variant Classification Sherloc (09022015). Collection method: clinical testing. Allele origin: germline.
Comment: This sequence change replaces arginine, which is basic and polar, with histidine, which is basic and polar, at codon 731 of the PLG protein (p.Arg731His). This variant is present in population databases (rs150065136, gnomAD 0.01%). This variant has not been reported in the literature in individuals affected with PLG-related conditions. ClinVar contains an entry for this variant (Variation ID: 2202544). Advanced modeling of protein sequence and biophysical properties (such as structural, functional, and spatial information, amino acid conservation, physicochemical variation, residue mobility, and thermodynamic stability) performed at Invitae indicates that this missense variant is not expected to disrupt PLG protein function with a negative predictive value of 80%. In summary, the available evidence is currently insufficient to determine the role of this variant in disease. Therefore, it has been classified as a Variant of Uncertain Significance.

Ambry Genetics
Classification: Uncertain significance for Inborn genetic diseases. Last evaluated: 2022-11-10. Review status: criteria provided, single submitter. Criteria: Ambry Variant Classification Scheme 2023. Collection method: clinical testing. Allele origin: germline.

NM_000301.5(PLG):c.2192G>A (p.Arg731His)

Gene: PLG (plasminogen; plus strand). Cytogenetic location: 6q26.
Variant type: single nucleotide variant.
Coding change: c.2192G>A on transcript NM_000301.5 (MANE Select); coding-DNA position 2192, G replaced by A.
Protein change: p.Arg731His; replaces arginine 731 with histidine.
Molecular consequence: missense variant.
Genome position (GRCh38, 1-based): chr6:160,752,181, G>A. VCF-style: chr6-160752181-G-A. GRCh37 (hg19) VCF-style: chr6-161173213-G-A.
Other names: short protein forms R731H.
Identifiers: ClinVar variation 2202544 (VCV002202544.7), dbSNP rs150065136, ClinGen allele CA4088024.